The following is an entry in ClinVar:

NM_000535.7(PMS2):c.1575G>A (p.Gly525=)

Gene: PMS2 (PMS1 homolog 2, mismatch repair system component; minus strand). Cytogenetic location: 7p22.1.
Variant type: single nucleotide variant.
Coding change: c.1575G>A on transcript NM_000535.7 (MANE Select); coding-DNA position 1575, G replaced by A.
Protein change: p.Gly525=; no amino-acid change (glycine 525 retained).
Molecular consequence: synonymous variant. On other transcripts: non-coding transcript variant (1).
Genome position (GRCh38, 1-based): chr7:5,987,190, C>T on the plus strand (G>A on the coding strand, the complement: PMS2 is on the minus strand). VCF-style: chr7-5987190-C-T. GRCh37 (hg19) VCF-style: chr7-6026821-C-T.
Other names: c.1170G>A, p.Gly390= (NM_001322003.2, NM_001322004.2, NM_001322005.2 and 1 more transcripts); c.1419G>A, p.Gly473= (NM_001322006.2); c.1257G>A, p.Gly419= (NM_001322007.2, NM_001322008.2); c.1014G>A, p.Gly338= (NM_001322010.2); c.642G>A, p.Gly214= (NM_001322011.2, NM_001322012.2); c.1002G>A, p.Gly334= (NM_001322013.2); c.1575G>A, p.Gly525= (NM_001322014.2); c.1266G>A, p.Gly422= (NM_001322015.2).
Identifiers: ClinVar variation 1154842 (VCV001154842.12), dbSNP rs1783045939, ClinGen allele CA453747310.

ClinVar aggregate classification (germline): Benign/Likely benign. Review status: criteria provided, multiple submitters, no conflicts (2 of 4 stars). 3 submissions from 3 submitters: Benign (1); Likely benign (2). Last evaluated 2025-08-07.

Conditions:
Hereditary nonpolyposis colorectal neoplasms. Identifiers: MedGen C0009405, MeSH D003123.
Lynch syndrome 4 (LYNCH4). Also called: Hereditary non-polyposis colorectal cancer, type 4; Colorectal cancer, hereditary nonpolyposis, type 4. Identifiers: Orphanet 144, MedGen C1838333, MONDO:0013699, OMIM 614337. Disease mechanism: loss of function.
Hereditary cancer-predisposing syndrome. Also called: Hereditary neoplastic syndrome; Hereditary Cancer Syndrome; Tumor predisposition; Neoplastic Syndromes, Hereditary. Identifiers: Orphanet 140162, MedGen C0027672, MeSH D009386, MONDO:0015356.

Allele frequency attached by ClinVar (database versions not stated): TOPMed below 0.00001.

Submissions (3):

Labcorp Genetics (formerly Invitae), Labcorp
Classification: Likely benign for Hereditary nonpolyposis colorectal neoplasms. Last evaluated: 2025-08-07. Review status: criteria provided, single submitter. Criteria: Invitae Variant Classification Sherloc (09022015). Collection method: clinical testing. Allele origin: germline.

Myriad Genetics, Inc.
Classification: Benign for Lynch syndrome 4. Last evaluated: 2025-01-30. Review status: criteria provided, single submitter. Criteria: Myriad Autosomal Dominant, Autosomal Recessive and X-Linked Classification Criteria (2023). Collection method: clinical testing. Allele origin: unknown.
Comment: This variant is considered benign. This variant is a silent/synonymous amino acid change and it is not expected to impact splicing.

Ambry Genetics
Classification: Likely benign for Hereditary cancer-predisposing syndrome. Last evaluated: 2021-06-11. Review status: criteria provided, single submitter. Criteria: Ambry Variant Classification Scheme 2023. Collection method: clinical testing. Allele origin: germline.